The following is an entry in ClinVar:

ClinVar aggregate classification (germline): Uncertain significance. Review status: criteria provided, multiple submitters, no conflicts (2 of 4 stars). 4 submissions from 4 submitters: Uncertain significance (4). Last evaluated 2025-07-30.

Conditions:
Hypertrophic cardiomyopathy 16. Identifiers: MedGen C3151204, MONDO:0013455, OMIM 613838.
Hypertrophic cardiomyopathy. Also called: HYPERTROPHIC MYOCARDIOPATHY. Identifiers: Orphanet 217569, MedGen C0007194, MeSH D002312, MONDO:0005045, HP:0001639.
MYOZ2-related disorder. Also called: MYOZ2-related condition.
Cardiovascular phenotype. Identifiers: MedGen CN230736.

Allele frequency attached by ClinVar (database versions not stated): gnomAD exomes below 0.00001 and 0.00001; ExAC 0.00001; gnomAD 0.00003; TOPMed 0.00005.
gnomAD v4.1: 12 of 1,613,536 alleles (0.00074%); highest among the groups gnomAD compares: African/African-American, 0.0067%; no homozygotes.

Submissions (4):

PreventionGenetics, part of Exact Sciences
Classification: Uncertain significance for MYOZ2-related condition. Last evaluated: 2025-07-30. Review status: criteria provided, single submitter. Criteria: ACMG Guidelines, 2015. Collection method: clinical testing. Allele origin: germline.
Comment: The MYOZ2 c.19A>G variant is predicted to result in the amino acid substitution p.Met7Val. To our knowledge, this variant has not been reported in the literature in individuals with MYOZ2-related disorders. This variant is reported in 0.0062% of alleles in individuals of African descent in gnomAD. At this time, the clinical significance of this variant is uncertain due to the absence of conclusive functional and genetic evidence.

Ambry Genetics
Classification: Uncertain significance for Cardiovascular phenotype. Last evaluated: 2025-01-19. Review status: criteria provided, single submitter. Criteria: Ambry Variant Classification Scheme 2023. Collection method: clinical testing. Allele origin: germline.
Comment: The p.M7V variant (also known as c.19A>G), located in coding exon 1 of the MYOZ2 gene, results from an A to G substitution at nucleotide position 19. The methionine at codon 7 is replaced by valine, an amino acid with highly similar properties. This amino acid position is not well conserved in available vertebrate species. In addition, this alteration is predicted to be tolerated by in silico analysis. The evidence for this gene-disease relationship is limited; therefore, the clinical significance of this alteration is unclear.

Labcorp Genetics (formerly Invitae), Labcorp
Classification: Uncertain significance for Hypertrophic cardiomyopathy. Last evaluated: 2024-10-09. Review status: criteria provided, single submitter. Criteria: Invitae Variant Classification Sherloc (09022015). Collection method: clinical testing. Allele origin: germline.
Comment: This sequence change replaces methionine, which is neutral and non-polar, with valine, which is neutral and non-polar, at codon 7 of the MYOZ2 protein (p.Met7Val). This variant is present in population databases (rs746027670, gnomAD 0.007%). This variant has not been reported in the literature in individuals affected with MYOZ2-related conditions. ClinVar contains an entry for this variant (Variation ID: 1041934). An algorithm developed to predict the effect of missense changes on protein structure and function outputs the following: PolyPhen-2: "Benign". The valine amino acid residue is found in multiple mammalian species, which suggests that this missense change does not adversely affect protein function. In summary, the available evidence is currently insufficient to determine the role of this variant in disease. Therefore, it has been classified as a Variant of Uncertain Significance.

Fulgent Genetics
Classification: Uncertain significance for Hypertrophic cardiomyopathy 16. Last evaluated: 2021-09-08. Review status: criteria provided, single submitter. Criteria: ACMG Guidelines, 2015. Collection method: clinical testing. Allele origin: unknown.

NM_016599.5(MYOZ2):c.19A>G (p.Met7Val)

Gene: MYOZ2 (myozenin 2; plus strand). Cytogenetic location: 4q26.
Variant type: single nucleotide variant.
Coding change: c.19A>G on transcript NM_016599.5 (MANE Select); coding-DNA position 19, A replaced by G.
Protein change: p.Met7Val; replaces methionine 7 with valine.
Molecular consequence: missense variant.
Genome position (GRCh38, 1-based): chr4:119,136,544, A>G. VCF-style: chr4-119136544-A-G. GRCh37 (hg19) VCF-style: chr4-120057699-A-G.
Other names: short protein forms M7V.
Identifiers: ClinVar variation 1041934 (VCV001041934.10), dbSNP rs746027670, ClinGen allele CA3058520.